The following is an entry in ClinVar:

NC_000005.9:g.(?_118788271)_(118877689_?)del

Gene: HSD17B4 (hydroxysteroid 17-beta dehydrogenase 4; plus strand). Cytogenetic location: 5q23.1.
Variant type: Deletion.
Identifiers: ClinVar variation 3246318 (VCV003246318.1).

ClinVar aggregate classification (germline): Pathogenic (1 of 4 stars; one submission).

Conditions:
Bifunctional peroxisomal enzyme deficiency (DBIF). Also called: PBFE DEFICIENCY; D-bifunctional protein deficiency; DBP DEFICIENCY. Identifiers: Orphanet 300, MedGen C0342870, MONDO:0009855, OMIM 261515. Disease mechanism: loss of function.
Perrault syndrome. Also called: Gonadal dysgenesis with auditory dysfunction, autosomal recessive inheritance. Identifiers: Orphanet 2855, MedGen C0685838, MONDO:0017312.

Submission:

Labcorp Genetics (formerly Invitae), Labcorp
Classification: Pathogenic for Perrault syndrome; Bifunctional peroxisomal enzyme deficiency. Last evaluated: 2024-01-19. Review status: criteria provided, single submitter. Criteria: Invitae Variant Classification Sherloc (09022015). Collection method: clinical testing. Allele origin: unknown.
Comment: A gross deletion of the genomic region encompassing the full coding sequence of the HSD17B4 gene has been identified. Loss-of-function variants in HSD17B4 are known to be pathogenic (PMID: 11810648, 16385454, 20673864). The boundaries of this event are unknown as they extend beyond the assayed region for this gene and therefore may encompass additional genes. This variant has not been reported in the literature in individuals affected with HSD17B4-related conditions. For these reasons, this variant has been classified as Pathogenic.

Literature cited by the submitters: PubMed 11810648; PubMed 16385454; PubMed 20673864.